The following is an entry in ClinVar:

NM_001927.4(DES):c.749T>C (p.Leu250Ser)

Gene: DES (desmin; plus strand). Cytogenetic location: 2q35.
Variant type: single nucleotide variant.
Coding change: c.749T>C on transcript NM_001927.4 (MANE Select); coding-DNA position 749, T replaced by C.
Protein change: p.Leu250Ser; replaces leucine 250 with serine.
Molecular consequence: missense variant. On other transcripts: intron variant (2).
Genome position (GRCh38, 1-based): chr2:219,420,508, T>C. VCF-style: chr2-219420508-T-C. GRCh37 (hg19) VCF-style: chr2-220285230-T-C.
Other names: c.746T>C, p.Leu249Ser (NM_001382708.1); c.749T>C, p.Leu250Ser (NM_001382710.1, NM_001382711.1, NM_001382712.1); c.735+162T>C (NM_001382709.1); c.496-17T>C (NM_001382713.1); short protein forms L249S, L250S.
Identifiers: ClinVar variation 3756704 (VCV003756704.2).

ClinVar aggregate classification (germline): Uncertain significance (1 of 4 stars; one submission).

Conditions:
Desmin-related myofibrillar myopathy (MFM1). Also called: Desminopathy; Desmin related myopathy (former name); Desmin storage myopathy (former name); MYOFIBRILLAR MYOPATHY WITH ARRHYTHMOGENIC RIGHT VENTRICULAR CARDIOMYOPATHY; DESMIN-RELATED MYOPATHY WITH ARRHYTHMOGENIC RIGHT VENTRICULAR CARDIOMYOPATHY; Myofibrillar myopathy 1. Identifiers: Orphanet 363543, Orphanet 98909, MedGen C1832370, MONDO:0011076, OMIM 601419.

Submission:

Labcorp Genetics (formerly Invitae), Labcorp
Classification: Uncertain significance for Desmin-related myofibrillar myopathy. Last evaluated: 2024-08-14. Review status: criteria provided, single submitter. Criteria: Invitae Variant Classification Sherloc (09022015). Collection method: clinical testing. Allele origin: germline.
Comment: This sequence change replaces leucine, which is neutral and non-polar, with serine, which is neutral and polar, at codon 250 of the DES protein (p.Leu250Ser). This variant is not present in population databases (gnomAD no frequency). This variant has not been reported in the literature in individuals affected with DES-related conditions. Invitae Evidence Modeling of protein sequence and biophysical properties (such as structural, functional, and spatial information, amino acid conservation, physicochemical variation, residue mobility, and thermodynamic stability) has been performed for this missense variant. However, the output from this modeling did not meet the statistical confidence thresholds required to predict the impact of this variant on DES protein function. In summary, the available evidence is currently insufficient to determine the role of this variant in disease. Therefore, it has been classified as a Variant of Uncertain Significance.